The following is an entry in ClinVar:

ClinVar aggregate classification (germline): Pathogenic (1 of 4 stars; one submission).

Conditions:
Duane-radial ray syndrome (DRRS). Also called: Okihiro Syndrome; Duane-Radial Ray Syndrome/Okihiro Syndrome; ACRORENOOCULAR SYNDROME; Duane-Radial Ray Syndrome (DRRS) / Okihiro Syndrome; DR SYNDROME; DUANE ANOMALY WITH RADIAL RAY ABNORMALITIES AND DEAFNESS. Identifiers: Orphanet 93293, Orphanet 959, MedGen C1623209, MONDO:0011812, OMIM 607323. Disease mechanism: gain of function.

Submission:

Labcorp Genetics (formerly Invitae), Labcorp
Classification: Pathogenic for Duane-radial ray syndrome. Last evaluated: 2022-07-05. Review status: criteria provided, single submitter. Criteria: Invitae Variant Classification Sherloc (09022015). Collection method: clinical testing. Allele origin: germline.
Comment: For these reasons, this variant has been classified as Pathogenic. This sequence change creates a premature translational stop signal (p.Ser276Argfs*110) in the SALL4 gene. It is expected to result in an absent or disrupted protein product. Loss-of-function variants in SALL4 are known to be pathogenic (PMID: 15342710, 16086360). This variant is not present in population databases (gnomAD no frequency). This variant has not been reported in the literature in individuals affected with SALL4-related conditions. ClinVar contains an entry for this variant (Variation ID: 571934).

Literature cited by the submitters: PubMed 15342710; PubMed 16086360.

NM_020436.5(SALL4):c.827dup (p.Ser276fs)

Gene: SALL4 (spalt like transcription factor 4; minus strand). Cytogenetic location: 20q13.2.
Variant type: Duplication.
Coding change: c.827dup on transcript NM_020436.5 (MANE Select); coding-DNA position 827, one base duplicated (G; older notation c.827dupG).
Protein change: p.Ser276fs; shifts the reading frame from serine 276.
Molecular consequence: frameshift variant.
Genome position (GRCh38, 1-based): chr20:51,791,656, C duplicated on the plus strand (G on the coding strand, the reverse complement: SALL4 is on the minus strand). VCF-style (leftmost placement, unchanged base first): chr20-51791655-G-GC. GRCh37 (hg19) VCF-style: chr20-50408194-G-GC.
Other names: c.827dup (LRG_675t1); c.827dupG (NM_020436.3); c.827dup, p.Ser276fs (NM_001318031.2); short protein forms S276fs.
Identifiers: ClinVar variation 571934 (VCV000571934.6), dbSNP rs1568865283, ClinGen allele CA891843535.
Genomic context (GRCh38, chr20:51,791,655, plus strand): 5'-GTGAGGTAGCTTGGCTTGTTTCAAGGCATCCAGAGACAGACCTTGGCTTCCAGCTTTCTG[G>GC]CTGAGCAAAGCCACAGCTGCAGAAACCTGCTGAGACATGTGGCTGCCCAAGGTCTTCAGA-3'